The following is an entry in ClinVar:

NM_000482.4(APOA4):c.334C>T (p.Arg112Trp)

Gene: APOA4 (apolipoprotein A4; minus strand). Cytogenetic location: 11q23.3.
Variant type: single nucleotide variant.
Coding change: c.334C>T on transcript NM_000482.4 (MANE Select); coding-DNA position 334, C replaced by T.
Protein change: p.Arg112Trp; replaces arginine 112 with tryptophan.
Molecular consequence: missense variant.
Genome position (GRCh38, 1-based): chr11:116,821,724, G>A on the plus strand (C>T on the coding strand, the complement: APOA4 is on the minus strand). VCF-style: chr11-116821724-G-A. GRCh37 (hg19) VCF-style: chr11-116692440-G-A.
Other names: short protein forms R112W.
Identifiers: ClinVar variation 2719833 (VCV002719833.3), dbSNP rs755577773, ClinGen allele CA6289457.

ClinVar aggregate classification (germline): Uncertain significance (1 of 4 stars; one submission).

Allele frequency attached by ClinVar (database versions not stated): gnomAD 0.00002; TOPMed 0.00005.

Submission:

Labcorp Genetics (formerly Invitae), Labcorp
Classification: Uncertain significance. Last evaluated: 2023-11-19. Review status: criteria provided, single submitter. Criteria: Invitae Variant Classification Sherloc (09022015). Collection method: clinical testing. Allele origin: germline.
Comment: This sequence change replaces arginine, which is basic and polar, with tryptophan, which is neutral and slightly polar, at codon 112 of the APOA4 protein (p.Arg112Trp). This variant is present in population databases (rs755577773, gnomAD 0.03%). This variant has not been reported in the literature in individuals affected with APOA4-related conditions. Advanced modeling of protein sequence and biophysical properties (such as structural, functional, and spatial information, amino acid conservation, physicochemical variation, residue mobility, and thermodynamic stability) has been performed at Invitae for this missense variant, however the output from this modeling did not meet the statistical confidence thresholds required to predict the impact of this variant on APOA4 protein function. In summary, the available evidence is currently insufficient to determine the role of this variant in disease. Therefore, it has been classified as a Variant of Uncertain Significance.